The following is an entry in ClinVar:

NM_014425.5(INVS):c.1235-5T>C

Gene: INVS (inversin; plus strand). Cytogenetic location: 9q31.1.
Variant type: single nucleotide variant.
Coding change: c.1235-5T>C on transcript NM_014425.5 (MANE Select); 5 bases into the intron before coding-DNA position 1235, T replaced by C.
Molecular consequence: intron variant.
Genome position (GRCh38, 1-based): chr9:100,252,902, T>C. VCF-style: chr9-100252902-T-C. GRCh37 (hg19) VCF-style: chr9-103015184-T-C.
Other names: p.?; c.947-5T>C (NM_001318381.2); c.257-5T>C (NM_001318382.2).
Identifiers: ClinVar variation 95594 (VCV000095594.28), dbSNP rs2245216, ClinGen allele CA148638.
Genomic context (GRCh38, chr9:100,252,902, plus strand): 5'-ACTCCTACTCATTTTAATAAAAGCTATTTATATTAGACATTCTCATTATATTTGTGCTTT[T>C]CCAGGTGGAGCAAGGGTAGATCTAGTTGACCAAGATGGACATTCTCTTCTACATTGGGCA-3'

ClinVar aggregate classification (germline): Benign/Likely benign. Review status: criteria provided, multiple submitters, no conflicts (2 of 4 stars). 11 submissions from 11 submitters: Benign (9); Likely benign (1). 1 of the submissions does not count toward it. Last evaluated 2026-02-04.

Conditions:
Nephronophthisis. Also called: Juvenile Nephronophthisis. Identifiers: Orphanet 655, MedGen C0687120, MONDO:0019005, HP:0000090.
Infantile nephronophthisis (NPHP2). Also called: Nephronophthisis 2; Nephronophthisis 2, infantile. Identifiers: Orphanet 655, Orphanet 93591, MedGen C1865872, MONDO:0011190, OMIM 602088.

Allele frequency attached by ClinVar (database versions not stated): 1000 Genomes Project 30x 0.20971; 1000 Genomes Project 0.21046; TOPMed 0.28661; gnomAD 0.29676 and 0.30271; gnomAD exomes 0.30808 and 0.37425; ESP Exome Variant Server 0.30970; ExAC 0.32244.
gnomAD v4.1: 587,553 of 1,605,678 alleles (37%); highest among the groups gnomAD compares: Non-Finnish European, 41%; 115,210 homozygotes.

Submissions (11):

Labcorp Genetics (formerly Invitae), Labcorp
Classification: Benign for Nephronophthisis. Last evaluated: 2026-02-04. Review status: criteria provided, single submitter. Criteria: Invitae Variant Classification Sherloc (09022015). Collection method: clinical testing. Allele origin: germline.

Blueprint Genetics
Classification: Likely benign. Last evaluated: 2024-11-27. Review status: criteria provided, single submitter. Criteria: ACMG Guidelines, 2015. Collection method: clinical testing. Allele origin: germline.

Mayo Clinic Laboratories, Mayo Clinic
Classification: Benign. Last evaluated: 2022-05-05. Review status: criteria provided, single submitter. Criteria: ACMG Guidelines, 2015. Collection method: clinical testing. Allele origin: germline. Observed: 341 variant alleles.

Genome-Nilou Lab
Classification: Benign for Infantile nephronophthisis. Last evaluated: 2021-08-19. Review status: criteria provided, single submitter. Criteria: ACMG Guidelines, 2015. Collection method: clinical testing. Allele origin: germline. Affected: no.

GeneDx
Classification: Benign. Last evaluated: 2019-05-22. Review status: criteria provided, single submitter. Criteria: GeneDx Variant Classification Process June 2021. Collection method: clinical testing. Allele origin: germline. Affected: yes.

Illumina Laboratory Services, Illumina
Classification: Benign for Infantile nephronophthisis. Last evaluated: 2018-01-12. Review status: criteria provided, single submitter. Criteria: ICSL Variant Classification Criteria 13 December 2019. Collection method: clinical testing. Allele origin: germline.
Comment: This variant was observed in the ICSL laboratory as part of a predisposition screen in an ostensibly healthy population. It had not been previously curated by ICSL or reported in the Human Gene Mutation Database (HGMD: prior to June 1st, 2018), and was therefore a candidate for classification through an automated scoring system. Utilizing variant allele frequency, disease prevalence and penetrance estimates, and inheritance mode, an automated score was calculated to assess if this variant is too frequent to cause the disease. Based on the score and internal cut-off values, a variant classified as benign is not then subjected to further curation. The score for this variant resulted in a classification of benign for this disease.

Clinical Genetics DNA and cytogenetics Diagnostics Lab, Erasmus MC, Erasmus Medical Center
Classification: Benign for Infantile nephronophthisis. Last evaluated: 2015-09-21. Review status: criteria provided, single submitter. Criteria: ACGS Guidelines, 2013. Collection method: clinical testing. Allele origin: germline. Affected: yes. Study: VKGL Data-share Consensus.

Eurofins Ntd Llc (ga)
Classification: Benign. Last evaluated: 2014-04-02. Review status: criteria provided, single submitter. Criteria: EGL Classification Definitions 2015. Collection method: clinical testing. Allele origin: germline. Observed: 25 variant alleles, 23 heterozygotes, 2 homozygotes.

Breakthrough Genomics
Classification: Benign. Review status: criteria provided, single submitter. Criteria: ACMG Guidelines, 2015. Collection method: not provided. Allele origin: germline. Inheritance: Autosomal recessive inheritance. Affected: yes.

PreventionGenetics, part of Exact Sciences
Classification: Benign. Review status: criteria provided, single submitter. Criteria: ACMG Guidelines, 2015. Collection method: clinical testing. Allele origin: germline.

Diagnostic Laboratory, Department of Genetics, University Medical Center Groningen
Classification: Benign for Infantile nephronophthisis. Review status: no assertion criteria provided. Collection method: clinical testing. Allele origin: germline. Affected: yes. Study: VKGL Data-share Consensus. Not counted in ClinVar's aggregate classification.